The following is an entry in ClinVar:

NM_000070.3(CAPN3):c.710A>G (p.Glu237Gly)

Gene: CAPN3 (calpain 3; plus strand). Cytogenetic location: 15q15.1.
Variant type: single nucleotide variant.
Coding change: c.710A>G on transcript NM_000070.3 (MANE Select); coding-DNA position 710, A replaced by G.
Protein change: p.Glu237Gly; replaces glutamic acid 237 with glycine.
Molecular consequence: missense variant.
Genome position (GRCh38, 1-based): chr15:42,389,005, A>G. VCF-style: chr15-42389005-A-G. GRCh37 (hg19) VCF-style: chr15-42681203-A-G.
Other names: c.710A>G, p.Glu237Gly (NM_024344.2, NM_173087.2); short protein forms E237G.
Identifiers: ClinVar variation 4527491 (VCV004527491.1).

ClinVar aggregate classification (germline): Uncertain significance (1 of 4 stars; one submission).

Submission:

GeneDx
Classification: Uncertain significance. Last evaluated: 2025-04-25. Review status: criteria provided, single submitter. Criteria: GeneDx Variant Classification Process June 2021. Collection method: clinical testing. Allele origin: germline. Affected: yes.
Comment: Not observed at significant frequency in large population cohorts (gnomAD); In silico analysis supports that this missense variant has a deleterious effect on protein structure/function; Has not been previously published as pathogenic or benign to our knowledge